The following is an entry in ClinVar:

ClinVar aggregate classification (germline): Conflicting classifications of pathogenicity. Review status: criteria provided, conflicting classifications (1 of 4 stars). 19 submissions from 15 submitters: Uncertain significance (1); Benign (7); Likely benign (7). 4 of the submissions do not count toward it. Last evaluated 2026-07-01.

Conditions:
Nephronophthisis. Also called: Juvenile Nephronophthisis. Identifiers: Orphanet 655, MedGen C0687120, MONDO:0019005, HP:0000090.
Joubert syndrome. Also called: JOUBERT-BOLTSHAUSER SYNDROME; Familial aplasia of the vermis. Identifiers: Orphanet 475, MedGen C5979921, MONDO:0018772.
Meckel-Gruber syndrome. Also called: Dysencephalia splachnocystica; DYSENCEPHALIA SPLANCHNOCYSTICA; GRUBER SYNDROME. Identifiers: Orphanet 564, MedGen C0265215, MONDO:0018921.
Leber congenital amaurosis (LCA). Also called: Leber's amaurosis. Identifiers: Orphanet 65, MedGen C0339527, MeSH D057130, MONDO:0018998.
Meckel syndrome, type 4 (MKS4). Also called: MECKEL-GRUBER SYNDROME, TYPE 4. Identifiers: Orphanet 564, MedGen C1970161, MONDO:0012626, OMIM 611134.
Bardet-Biedl syndrome 14 (BBS14). Identifiers: Orphanet 110, MedGen C2673874, MONDO:0014442, OMIM 615991.
Senior-Loken syndrome 6 (SLSN6). Identifiers: Orphanet 3156, MedGen C1857779, MONDO:0012433, OMIM 610189.
Leber congenital amaurosis 10 (LCA10). Identifiers: Orphanet 65, MedGen C1857821, MONDO:0012723, OMIM 611755.
Joubert syndrome 5 (JBTS5). Identifiers: Orphanet 2318, MedGen C1857780, MONDO:0012432, OMIM 610188.
Intellectual disability. Also called: Intellectual developmental disorder; Intellectual functioning disability; intellectual disabilities. Identifiers: MedGen C3714756, MeSH D008607, MONDO:0001071, HP:0001249.

Allele frequency attached by ClinVar (database versions not stated): gnomAD 0.00488 and 0.00530; ExAC 0.01468; TOPMed 0.00506; 1000 Genomes Project 30x 0.00531; ESP Exome Variant Server 0.00549; 1000 Genomes Project 0.00579; gnomAD exomes 0.00742 and 0.00758.
gnomAD v4.1: 11,417 of 1,562,170 alleles (0.73%); highest among the groups gnomAD compares: South Asian, 1.6%; 106 homozygotes.

Submissions (19):

CeGaT Center for Human Genetics Tuebingen
Classification: Benign. Last evaluated: 2026-07-01. Review status: criteria provided, single submitter. Criteria: CeGaT Center For Human Genetics Tuebingen Variant Classification Criteria Version 2. Collection method: clinical testing. Allele origin: germline. Affected: yes. Observed: 42 variant alleles.
Comment: CEP290: BS1, BS2

Labcorp Genetics (formerly Invitae), Labcorp
Classification: Benign for Joubert syndrome; Meckel-Gruber syndrome; Nephronophthisis. Last evaluated: 2026-02-01. Review status: criteria provided, single submitter. Criteria: Invitae Variant Classification Sherloc (09022015). Collection method: clinical testing. Allele origin: germline.

Blueprint Genetics
Classification: Likely benign. Last evaluated: 2024-11-27. Review status: criteria provided, single submitter. Criteria: ACMG Guidelines, 2015. Collection method: clinical testing. Allele origin: germline.

ARUP Laboratories, Molecular Genetics and Genomics, ARUP Laboratories
Classification: Benign. Last evaluated: 2023-11-01. Review status: criteria provided, single submitter. Criteria: ARUP Molecular Germline Variant Investigation Process 2024. Collection method: clinical testing. Allele origin: germline.

Women's Health and Genetics/Laboratory Corporation of America, LabCorp
Classification: Likely benign. Last evaluated: 2021-12-10. Review status: criteria provided, single submitter. Criteria: LabCorp Variant Classification Summary - May 2015. Collection method: clinical testing. Allele origin: germline.

Genome-Nilou Lab
Classification: Likely benign for Joubert syndrome 5. Last evaluated: 2021-05-18. Review status: criteria provided, single submitter. Criteria: ACMG Guidelines, 2015. Collection method: clinical testing. Allele origin: germline. Affected: no.

Center for Pediatric Genomic Medicine, Children's Mercy Hospital and Clinics
Classification: Likely benign. Last evaluated: 2017-04-28. Review status: criteria provided, single submitter. Criteria: ACMG Guidelines, 2015. Collection method: clinical testing. Allele origin: germline.

Illumina Laboratory Services, Illumina
Classification: Benign for Senior-Loken syndrome 6. Last evaluated: 2017-04-27. Review status: criteria provided, single submitter. Criteria: ICSL Variant Classification Criteria 13 December 2019. Collection method: clinical testing. Allele origin: germline.
Comment: This variant was observed as part of a predisposition screen in an ostensibly healthy population. A literature search was performed for the gene, cDNA change, and amino acid change (where applicable). No publications were found based on this search. Allele frequency data from public databases was too high to be consistent with this variant causing disease. Therefore, this variant is classified as benign.

Illumina Laboratory Services, Illumina
Classification: Uncertain significance for Meckel syndrome, type 4. Last evaluated: 2017-04-27. Review status: criteria provided, single submitter. Criteria: ICSL Variant Classification Criteria 13 December 2019. Collection method: clinical testing. Allele origin: germline.

Illumina Laboratory Services, Illumina
Classification: Likely benign for Joubert syndrome 5. Last evaluated: 2017-04-27. Review status: criteria provided, single submitter. Criteria: ICSL Variant Classification Criteria 13 December 2019. Collection method: clinical testing. Allele origin: germline.
Comment: This variant was observed as part of a predisposition screen in an ostensibly healthy population. A literature search was performed for the gene, cDNA change, and amino acid change (where applicable). Publications were found based on this search. The evidence from the literature, in combination with allele frequency data from public databases where available, was sufficient to determine this variant is unlikely to cause disease. Therefore, this variant is classified as likely benign.

Illumina Laboratory Services, Illumina
Classification: Likely benign for Leber congenital amaurosis 10. Last evaluated: 2017-04-27. Review status: criteria provided, single submitter. Criteria: ICSL Variant Classification Criteria 13 December 2019. Collection method: clinical testing. Allele origin: germline.
Comment: the same text as in the submission from Illumina Laboratory Services, Illumina above.

Illumina Laboratory Services, Illumina
Classification: Benign for Bardet-Biedl syndrome 14. Last evaluated: 2017-04-27. Review status: criteria provided, single submitter. Criteria: ICSL Variant Classification Criteria 13 December 2019. Collection method: clinical testing. Allele origin: germline.
Comment: the same text as in the submission from Illumina Laboratory Services, Illumina above.

Genetic Services Laboratory, University of Chicago
Classification: Benign. Last evaluated: 2016-06-07. Review status: criteria provided, single submitter. Criteria: ACMG Guidelines, 2015. Collection method: clinical testing. Allele origin: germline. Affected: no.

GeneDx
Classification: Benign. Last evaluated: 2016-03-02. Review status: criteria provided, single submitter. Criteria: GeneDx Variant Classification (06012015). Collection method: clinical testing. Allele origin: germline. Affected: yes.
Comment: This variant is considered likely benign or benign based on one or more of the following criteria: it is a conservative change, it occurs at a poorly conserved position in the protein, it is predicted to be benign by multiple in silico algorithms, and/or has population frequency not consistent with disease.

Eurofins Ntd Llc (ga)
Classification: Likely benign. Last evaluated: 2013-12-16. Review status: criteria provided, single submitter. Criteria: EGL Classification Definitions 2015. Collection method: clinical testing. Allele origin: germline. Observed: 5 variant alleles, 5 heterozygotes.

Natera, Inc.
Classification: Benign for Leber congenital amaurosis. Last evaluated: 2020-01-06. Review status: no assertion criteria provided. Collection method: clinical testing. Allele origin: germline. Not counted in ClinVar's aggregate classification.

Centre de Biologie Pathologie Génétique, Centre Hospitalier Universitaire de Lille
Classification: Benign for Intellectual disability. Last evaluated: 2019-01-01. Review status: no assertion criteria provided. Collection method: clinical testing. Allele origin: inherited. Affected: yes. Not counted in ClinVar's aggregate classification.

Genome Diagnostics Laboratory, University Medical Center Utrecht
Classification: Likely benign. Review status: no assertion criteria provided. Collection method: clinical testing. Allele origin: germline. Affected: yes. Study: VKGL Data-share Consensus. Not counted in ClinVar's aggregate classification.

Laboratory of Diagnostic Genome Analysis, Leiden University Medical Center (LUMC)
Classification: Likely benign. Review status: no assertion criteria provided. Collection method: clinical testing. Allele origin: germline. Affected: yes. Study: VKGL Data-share Consensus. Not counted in ClinVar's aggregate classification.

Literature cited by the submitters: PubMed 26477546 (cited by Illumina Laboratory Services, Illumina); PubMed 24265693 (cited by Illumina Laboratory Services, Illumina); PubMed 25097241 (cited by Illumina Laboratory Services, Illumina).

NM_025114.4(CEP290):c.6401T>C (p.Ile2134Thr)

Gene: CEP290 (centrosomal protein 290; minus strand). Cytogenetic location: 12q21.32.
Variant type: single nucleotide variant.
Coding change: c.6401T>C on transcript NM_025114.4 (MANE Select); coding-DNA position 6401, T replaced by C.
Protein change: p.Ile2134Thr; replaces isoleucine 2134 with threonine.
Molecular consequence: missense variant.
Genome position (GRCh38, 1-based): chr12:88,060,951, A>G on the plus strand (T>C on the coding strand, the complement: CEP290 is on the minus strand). VCF-style: chr12-88060951-A-G. GRCh37 (hg19) VCF-style: chr12-88454728-A-G.
Other names: short protein forms I2134T.
Identifiers: ClinVar variation 166829 (VCV000166829.60), dbSNP rs117852025, ClinGen allele CA179856.